The following is an entry in ClinVar:

ClinVar aggregate classification (germline): Uncertain significance. Review status: criteria provided, multiple submitters, no conflicts (2 of 4 stars). 4 submissions from 4 submitters: Uncertain significance (4). Last evaluated 2023-08-04.

Conditions:
Familial thoracic aortic aneurysm and aortic dissection (TAAD). Also called: Thoracic aortic aneurysms and dissections. Identifiers: Orphanet 91387, MedGen C4707243, MONDO:0019625.
Shprintzen-Goldberg syndrome (SGS). Also called: SHPRINTZEN-GOLDBERG CRANIOSYNOSTOSIS SYNDROME; CRANIOSYNOSTOSIS WITH ARACHNODACTYLY AND ABDOMINAL HERNIAS; Marfanoid disorder with craniosynostosis type 1; Marfanoid craniosynostosis syndrome; Shprintzen-Goldberg marfanoid syndrome. Identifiers: Orphanet 2462, MedGen C1321551, MONDO:0008426, OMIM 182212.

Allele frequency attached by ClinVar (database versions not stated): TOPMed 0.00001.
gnomAD v4.1: 4 of 1,613,594 alleles (0.00025%); highest among the groups gnomAD compares: Non-Finnish European, 0.00034%; no homozygotes.

Submissions (4):

Labcorp Genetics (formerly Invitae), Labcorp
Classification: Uncertain significance for Shprintzen-Goldberg syndrome. Last evaluated: 2023-08-04. Review status: criteria provided, single submitter. Criteria: Invitae Variant Classification Sherloc (09022015). Collection method: clinical testing. Allele origin: germline.
Comment: This sequence change replaces proline, which is neutral and non-polar, with leucine, which is neutral and non-polar, at codon 328 of the SKI protein (p.Pro328Leu). This variant is present in population databases (rs777251951, gnomAD 0.003%). This variant has not been reported in the literature in individuals affected with SKI-related conditions. ClinVar contains an entry for this variant (Variation ID: 1768359). Advanced modeling of protein sequence and biophysical properties (such as structural, functional, and spatial information, amino acid conservation, physicochemical variation, residue mobility, and thermodynamic stability) has been performed at Invitae for this missense variant, however the output from this modeling did not meet the statistical confidence thresholds required to predict the impact of this variant on SKI protein function. In summary, the available evidence is currently insufficient to determine the role of this variant in disease. Therefore, it has been classified as a Variant of Uncertain Significance.

Blueprint Genetics
Classification: Uncertain significance. Last evaluated: 2022-11-15. Review status: criteria provided, single submitter. Criteria: ACMG Guidelines, 2015. Collection method: clinical testing. Allele origin: germline.

GeneDx
Classification: Uncertain significance. Last evaluated: 2022-05-15. Review status: criteria provided, single submitter. Criteria: GeneDx Variant Classification Process June 2021. Collection method: clinical testing. Allele origin: germline. Affected: yes.
Comment: In silico analysis supports that this missense variant does not alter protein structure/function; Has not been previously published as pathogenic or benign to our knowledge

Ambry Genetics
Classification: Uncertain significance for Familial thoracic aortic aneurysm and aortic dissection. Last evaluated: 2022-02-11. Review status: criteria provided, single submitter. Criteria: Ambry Variant Classification Scheme 2023. Collection method: clinical testing. Allele origin: germline.
Comment: The p.P328L variant (also known as c.983C>T), located in coding exon 2 of the SKI gene, results from a C to T substitution at nucleotide position 983. The proline at codon 328 is replaced by leucine, an amino acid with similar properties. This amino acid position is conserved. In addition, the in silico prediction for this alteration is inconclusive. Since supporting evidence is limited at this time, the clinical significance of this alteration remains unclear.

NM_003036.4(SKI):c.983C>T (p.Pro328Leu)

Gene: SKI (SKI proto-oncogene; plus strand). Cytogenetic location: 1p36.32.
Variant type: single nucleotide variant.
Coding change: c.983C>T on transcript NM_003036.4 (MANE Select); coding-DNA position 983, C replaced by T.
Protein change: p.Pro328Leu; replaces proline 328 with leucine.
Molecular consequence: missense variant.
Genome position (GRCh38, 1-based): chr1:2,302,991, C>T. VCF-style: chr1-2302991-C-T. GRCh37 (hg19) VCF-style: chr1-2234430-C-T.
Other names: short protein forms P328L.
Identifiers: ClinVar variation 1768359 (VCV001768359.7), dbSNP rs777251951, ClinGen allele CA536520.